The following is an entry in ClinVar:

NM_014141.6(CNTNAP2):c.2560A>G (p.Thr854Ala)

Gene: CNTNAP2 (contactin associated protein 2; plus strand). Cytogenetic location: 7q35.
Variant type: single nucleotide variant.
Coding change: c.2560A>G on transcript NM_014141.6 (MANE Select); coding-DNA position 2560, A replaced by G.
Protein change: p.Thr854Ala; replaces threonine 854 with alanine.
Molecular consequence: missense variant.
Genome position (GRCh38, 1-based): chr7:148,147,496, A>G. VCF-style: chr7-148147496-A-G. GRCh37 (hg19) VCF-style: chr7-147844588-A-G.
Other names: short protein forms T854A.
Identifiers: ClinVar variation 2829929 (VCV002829929.1), dbSNP rs1805208723, ClinGen allele CA369927839.

ClinVar aggregate classification (germline): Uncertain significance (1 of 4 stars; one submission).

Conditions:
Cortical dysplasia-focal epilepsy syndrome (PTHSL1). Also called: Pitt-Hopkins-like syndrome 1. Identifiers: Orphanet 163681, Orphanet 221150, MedGen C2750246, MONDO:0012400, OMIM 610042.

Allele frequency attached by ClinVar (database versions not stated): TOPMed 0.00001.

Submission:

Labcorp Genetics (formerly Invitae), Labcorp
Classification: Uncertain significance for Cortical dysplasia-focal epilepsy syndrome. Last evaluated: 2023-01-18. Review status: criteria provided, single submitter. Criteria: Invitae Variant Classification Sherloc (09022015). Collection method: clinical testing. Allele origin: germline.
Comment: Algorithms developed to predict the effect of missense changes on protein structure and function are either unavailable or do not agree on the potential impact of this missense change (SIFT: "Deleterious"; PolyPhen-2: "Benign"; Align-GVGD: "Class C0"). This variant has not been reported in the literature in individuals affected with CNTNAP2-related conditions. This variant is not present in population databases (gnomAD no frequency). This sequence change replaces threonine, which is neutral and polar, with alanine, which is neutral and non-polar, at codon 854 of the CNTNAP2 protein (p.Thr854Ala). In summary, the available evidence is currently insufficient to determine the role of this variant in disease. Therefore, it has been classified as a Variant of Uncertain Significance.